The following is an entry in ClinVar:

NM_001098.3(ACO2):c.1580C>T (p.Pro527Leu)

Gene: ACO2 (aconitase 2; plus strand). Cytogenetic location: 22q13.2.
Variant type: single nucleotide variant.
Coding change: c.1580C>T on transcript NM_001098.3 (MANE Select); coding-DNA position 1580, C replaced by T.
Protein change: p.Pro527Leu; replaces proline 527 with leucine.
Molecular consequence: missense variant.
Genome position (GRCh38, 1-based): chr22:41,524,943, C>T. VCF-style: chr22-41524943-C-T. GRCh37 (hg19) VCF-style: chr22-41920947-C-T.
Other names: short protein forms P527L.
Identifiers: ClinVar variation 1442176 (VCV001442176.7), dbSNP rs142926628, ClinGen allele CA10257702.

ClinVar aggregate classification (germline): Uncertain significance. Review status: criteria provided, multiple submitters, no conflicts (2 of 4 stars). 2 submissions from 2 submitters: Uncertain significance (2). Last evaluated 2023-12-14.

Allele frequency attached by ClinVar (database versions not stated): ExAC 0.00001; gnomAD exomes 0.00001; gnomAD 0.00003; TOPMed 0.00003; ESP Exome Variant Server 0.00008.
gnomAD v4.1: 22 of 1,614,062 alleles (0.0014%); highest among the groups gnomAD compares: South Asian, 0.0022%; no homozygotes.

Submissions (2):

Labcorp Genetics (formerly Invitae), Labcorp
Classification: Uncertain significance. Last evaluated: 2023-12-14. Review status: criteria provided, single submitter. Criteria: Invitae Variant Classification Sherloc (09022015). Collection method: clinical testing. Allele origin: germline.
Comment: This sequence change replaces proline, which is neutral and non-polar, with leucine, which is neutral and non-polar, at codon 527 of the ACO2 protein (p.Pro527Leu). This variant is present in population databases (rs142926628, gnomAD 0.003%). This variant has not been reported in the literature in individuals affected with ACO2-related conditions. ClinVar contains an entry for this variant (Variation ID: 1442176). Advanced modeling of protein sequence and biophysical properties (such as structural, functional, and spatial information, amino acid conservation, physicochemical variation, residue mobility, and thermodynamic stability) performed at Invitae indicates that this missense variant is expected to disrupt ACO2 protein function with a positive predictive value of 80%. In summary, the available evidence is currently insufficient to determine the role of this variant in disease. Therefore, it has been classified as a Variant of Uncertain Significance.

Blueprint Genetics
Classification: Uncertain significance. Last evaluated: 2022-07-17. Review status: criteria provided, single submitter. Criteria: ACMG Guidelines, 2015. Collection method: clinical testing. Allele origin: germline.